The following is an entry in ClinVar:

NM_004168.4(SDHA):c.442_448delinsACTGCCA (p.Ala148_Val150delinsThrAlaMet)

Gene: SDHA (succinate dehydrogenase complex flavoprotein subunit A; plus strand). Cytogenetic location: 5p15.33.
Variant type: Indel.
Coding change: c.442_448delinsACTGCCA on transcript NM_004168.4 (MANE Select); coding-DNA positions 442 to 448, GCCGCCG replaced by ACTGCCA.
Protein change: p.Ala148_Val150delinsThrAlaMet.
Molecular consequence: missense variant. On other transcripts: intron variant (1).
Genome position (GRCh38, 1-based): chr5:225,548-225,554, GCCGCCG replaced by ACTGCCA. VCF-style: chr5-225548-GCCGCCG-ACTGCCA. GRCh37 (hg19) VCF-style: chr5-225663-GCCGCCG-ACTGCCA.
Other names: c.442_448delinsACTGCCA, p.Ala148_Val150delinsThrAlaMet (NM_001330758.2); c.313-335_313-329delinsACTGCCA (NM_001294332.2).
Identifiers: ClinVar variation 3793541 (VCV003793541.1).

ClinVar aggregate classification (germline): Uncertain significance (1 of 4 stars; one submission).

Conditions:
Hereditary cancer-predisposing syndrome. Also called: Neoplastic Syndromes, Hereditary; Hereditary Cancer Syndrome; Tumor predisposition; Hereditary neoplastic syndrome. Identifiers: Orphanet 140162, MedGen C0027672, MeSH D009386, MONDO:0015356.

Submission:

Ambry Genetics
Classification: Uncertain significance for Hereditary cancer-predisposing syndrome. Last evaluated: 2025-01-13. Review status: criteria provided, single submitter. Criteria: Ambry Variant Classification Scheme 2023. Collection method: clinical testing. Allele origin: germline.
Comment: The c.442_448delGCCGCCGinsACTGCCA variant (also known as p.A148_V150delinsTAM), located in coding exon 4 of the SDHA gene, results from an in-frame deletion of GCCGCCG and insertion of ACTGCCA at nucleotide positions 442 to 448. This results in the deletion of 3 residues (AAV) and the insertion of 3 new residues (TAM) at codons 148 to 150. This amino acid region is generally well conserved in available vertebrate species. Based on the available evidence, the clinical significance of this variant remains unclear.